The following is an entry in ClinVar:

NM_022765.4(MICAL1):c.2649G>A (p.Val883=)

Gene: MICAL1 (microtubule associated monooxygenase, calponin and LIM domain containing 1; minus strand). Cytogenetic location: 6q21.
Variant type: single nucleotide variant.
Coding change: c.2649G>A on transcript NM_022765.4 (MANE Select); coding-DNA position 2649, G replaced by A.
Protein change: p.Val883=; no amino-acid change (valine 883 retained).
Molecular consequence: synonymous variant.
Genome position (GRCh38, 1-based): chr6:109,445,795, C>T on the plus strand (G>A on the coding strand, the complement: MICAL1 is on the minus strand). VCF-style: chr6-109445795-C-T. GRCh37 (hg19) VCF-style: chr6-109766998-C-T.
Other names: c.2391G>A, p.Val797= (NM_001159291.2); c.2706G>A, p.Val902= (NM_001286613.2).
Identifiers: ClinVar variation 3723268 (VCV003723268.6).

ClinVar aggregate classification (germline): Likely benign. Review status: criteria provided, multiple submitters, no conflicts (2 of 4 stars). 2 submissions from 2 submitters: Likely benign (2). Last evaluated 2026-02-01.

gnomAD v4.1: 1 of 1,611,778 alleles (0.000062%); highest among the groups gnomAD compares: Non-Finnish European, 0.000085%; no homozygotes.

Submissions (2):

CeGaT Center for Human Genetics Tuebingen
Classification: Likely benign. Last evaluated: 2026-02-01. Review status: criteria provided, single submitter. Criteria: CeGaT Center For Human Genetics Tuebingen Variant Classification Criteria Version 2. Collection method: clinical testing. Allele origin: germline. Affected: yes. Observed: 1 variant allele.
Comment: MICAL1: BP4, BP7

Labcorp Genetics (formerly Invitae), Labcorp
Classification: Likely benign. Last evaluated: 2025-01-14. Review status: criteria provided, single submitter. Criteria: Invitae Variant Classification Sherloc (09022015). Collection method: clinical testing. Allele origin: germline.